The following is an entry in ClinVar:

ClinVar aggregate classification (germline): Uncertain significance (1 of 4 stars; one submission).

Conditions:
Autosomal dominant epilepsy with auditory features. Identifiers: Orphanet 101046, MedGen C1838062, MONDO:0010898.

Allele frequency attached by ClinVar (database versions not stated): gnomAD exomes below 0.00001; gnomAD 0.00001; TOPMed 0.00001.
gnomAD v4.1: 8 of 1,600,624 alleles (0.0005%); highest among the groups gnomAD compares: African/African-American, 0.0013%; no homozygotes.

Submission:

Labcorp Genetics (formerly Invitae), Labcorp
Classification: Uncertain significance for Autosomal dominant epilepsy with auditory features. Last evaluated: 2023-10-13. Review status: criteria provided, single submitter. Criteria: Invitae Variant Classification Sherloc (09022015). Collection method: clinical testing. Allele origin: germline.
Comment: This sequence change falls in intron 2 of the LGI1 gene. It does not directly change the encoded amino acid sequence of the LGI1 protein. It affects a nucleotide within the consensus splice site. This variant is present in population databases (no rsID available, gnomAD 0.007%). This variant has not been reported in the literature in individuals affected with LGI1-related conditions. ClinVar contains an entry for this variant (Variation ID: 1417049). Variants that disrupt the consensus splice site are a relatively common cause of aberrant splicing (PMID: 17576681, 9536098). Algorithms developed to predict the effect of sequence changes on RNA splicing suggest that this variant may create or strengthen a splice site. In summary, the available evidence is currently insufficient to determine the role of this variant in disease. Therefore, it has been classified as a Variant of Uncertain Significance.

Literature cited by the submitters: PubMed 17576681; PubMed 9536098.

NM_005097.4(LGI1):c.287+3G>A

Gene: LGI1 (leucine rich glioma inactivated 1; plus strand). Cytogenetic location: 10q23.33.
Variant type: single nucleotide variant.
Coding change: c.287+3G>A on transcript NM_005097.4 (MANE Select); 3 bases into the intron after coding-DNA position 287, G replaced by A.
Molecular consequence: intron variant.
Genome position (GRCh38, 1-based): chr10:93,758,834, G>A. VCF-style: chr10-93758834-G-A. GRCh37 (hg19) VCF-style: chr10-95518591-G-A.
Other names: c.287+3G>A (NM_001308275.2, NM_001308276.2).
Identifiers: ClinVar variation 1417049 (VCV001417049.6), dbSNP rs1370527260, ClinGen allele CA595280131.